The following is an entry in ClinVar:

NM_000458.4(HNF1B):c.36C>T (p.Leu12=)

Gene: HNF1B (HNF1 homeobox B; minus strand). Cytogenetic location: 17q12.
Variant type: single nucleotide variant.
Coding change: c.36C>T on transcript NM_000458.4 (MANE Select); coding-DNA position 36, C replaced by T.
Protein change: p.Leu12=; no amino-acid change (leucine 12 retained).
Molecular consequence: synonymous variant.
Genome position (GRCh38, 1-based): chr17:37,744,849, G>A on the plus strand (C>T on the coding strand, the complement: HNF1B is on the minus strand). VCF-style: chr17-37744849-G-A. GRCh37 (hg19) VCF-style: chr17-36104840-G-A.
Other names: c.36C>T, p.Leu12= (NM_001165923.4, NM_001304286.2); c.36C>T (NM_000458.3).
Identifiers: ClinVar variation 322948 (VCV000322948.22), dbSNP rs749370057, ClinGen allele CA8519164.

ClinVar aggregate classification (germline): Conflicting classifications of pathogenicity. Review status: criteria provided, conflicting classifications (1 of 4 stars). 7 submissions from 7 submitters: Uncertain significance (3); Likely benign (3). 1 of the submissions does not count toward it. Last evaluated 2024-03-19.

Conditions:
HNF1B-related disorder. Also called: HNF1B-related condition; HNF1B-related disorders.
Maturity-onset diabetes of the young (MODY). Also called: Maturity onset diabetes mellitus in young. Identifiers: Orphanet 552, MedGen C0342276, MONDO:0018911, HP:0004904.
Renal cysts and diabetes syndrome (RCAD). Also called: Familial hypoplastic, glomerulocystic kidney; MATURITY-ONSET DIABETES OF THE YOUNG, TYPE 5. Identifiers: Orphanet 93111, MedGen C0431693, MONDO:0007669, OMIM 137920.

Allele frequency attached by ClinVar (database versions not stated): ExAC 0.00001; gnomAD exomes 0.00001 and 0.00002; gnomAD 0.00006; TOPMed 0.00014.
gnomAD v4.1: 26 of 1,423,018 alleles (0.0018%); highest among the groups gnomAD compares: African/African-American, 0.032%; no homozygotes.

Submissions (7):

Labcorp Genetics (formerly Invitae), Labcorp
Classification: Likely benign. Last evaluated: 2024-03-19. Review status: criteria provided, single submitter. Criteria: Invitae Variant Classification Sherloc (09022015). Collection method: clinical testing. Allele origin: germline.

Athena Diagnostics
Classification: Likely benign. Last evaluated: 2024-03-06. Review status: criteria provided, single submitter. Criteria: Athena Diagnostics Criteria. Collection method: clinical testing. Allele origin: unknown.

Ambry Genetics
Classification: Likely benign for Maturity-onset diabetes of the young. Last evaluated: 2022-12-23. Review status: criteria provided, single submitter. Criteria: Ambry Variant Classification Scheme 2023. Collection method: clinical testing. Allele origin: germline.

Illumina Laboratory Services, Illumina
Classification: Uncertain significance for Renal cysts and diabetes syndrome. Last evaluated: 2018-01-12. Review status: criteria provided, single submitter. Criteria: ICSL Variant Classification Criteria 13 December 2019. Collection method: clinical testing. Allele origin: germline.

Eurofins Ntd Llc (ga)
Classification: Uncertain significance. Last evaluated: 2016-12-27. Review status: criteria provided, single submitter. Criteria: EGL Classification Definitions 2015. Collection method: clinical testing. Allele origin: germline. Observed: 1 variant allele, 1 heterozygote.

Clinical Genomics, Uppaluri K&H Personalized Medicine Clinic
Classification: Uncertain significance for Maturity-onset diabetes of the young. Review status: criteria provided, single submitter. Criteria: K & H Uppaluri Personalized Medicine Clinic Variant Classification & Assertion Criteria_Updated V.1. Collection method: research. Allele origin: unknown. Inheritance: Autosomal dominant inheritance.
Comment: HNF1B gene mutations are associated with early onset diabetes and pancreatic atrophy. It is also associated with multiple renal manifestations including renal cysts, Tubulointerstitial disease, glomerulocystic disease, renal hypoplasia, hypomagnesemia. However no sufficient evidence is found to ascertain the role of this particular variant rs749370057, yet.

PreventionGenetics, part of Exact Sciences
Classification: Likely benign for HNF1B-related condition. Last evaluated: 2024-01-30. Review status: no assertion criteria provided. Collection method: clinical testing. Allele origin: germline. Not counted in ClinVar's aggregate classification.
Comment: This variant is classified as likely benign based on ACMG/AMP sequence variant interpretation guidelines (Richards et al. 2015 PMID: 25741868, with internal and published modifications).

Literature cited by the submitters: PubMed 36572455 (cited by Athena Diagnostics); PubMed 24897035 (cited by Clinical Genomics, Uppaluri K&H Personalized Medicine Clinic); PubMed 25536396 (cited by Clinical Genomics, Uppaluri K&H Personalized Medicine Clinic); PubMed 27615128 (cited by Clinical Genomics, Uppaluri K&H Personalized Medicine Clinic); PubMed 28215227 (cited by Clinical Genomics, Uppaluri K&H Personalized Medicine Clinic); PubMed 33434175 (cited by Clinical Genomics, Uppaluri K&H Personalized Medicine Clinic); PubMed 25741167 (cited by Clinical Genomics, Uppaluri K&H Personalized Medicine Clinic); PubMed 26340261 (cited by Clinical Genomics, Uppaluri K&H Personalized Medicine Clinic); PubMed 19639018 (cited by Clinical Genomics, Uppaluri K&H Personalized Medicine Clinic).